The following is an entry in ClinVar:

NM_004004.6(GJB2):c.428G>A (p.Arg143Gln)

Gene: GJB2 (gap junction protein beta 2; minus strand). Cytogenetic location: 13q12.11.
Variant type: single nucleotide variant.
Coding change: c.428G>A on transcript NM_004004.6 (MANE Select); coding-DNA position 428, G replaced by A.
Protein change: p.Arg143Gln; replaces arginine 143 with glutamine.
Molecular consequence: missense variant.
Genome position (GRCh38, 1-based): chr13:20,189,154, C>T on the plus strand (G>A on the coding strand, the complement: GJB2 is on the minus strand). VCF-style: chr13-20189154-C-T. GRCh37 (hg19) VCF-style: chr13-20763293-C-T.
Other names: short protein forms R143Q.
Identifiers: ClinVar variation 17017 (VCV000017017.33), dbSNP rs104894401, ClinGen allele CA257677.

ClinVar aggregate classification (germline): Pathogenic/Likely pathogenic. Review status: criteria provided, multiple submitters, no conflicts (2 of 4 stars). 17 submissions from 15 submitters: Pathogenic (7); Likely pathogenic (4). 6 of the submissions do not count toward it. Last evaluated 2026-03-27.

Conditions:
GJB2-related disorder. Also called: GJB2-related condition; GJB2-related disorders. Identifiers: MedGen CN382183, MONDO:1060236.
Monogenic hearing loss.
Autosomal recessive nonsyndromic hearing loss 1A (DFNB1A). Also called: Deafness, autosomal recessive 1A; GJB2-Related Autosomal Recessive Nonsyndromic Hearing Loss; Connexin 26 deafness; Deafness nonsyndromic, Connexin 26 linked; Nonsyndromic Hearing Loss and Deafness, DFNB1; GJB6-Related DFNB 1 Nonsyndromic Hearing Loss and Deafness. Identifiers: Orphanet 90636, MedGen C2673759, MONDO:0009076, OMIM 220290.
Palmoplantar keratoderma-deafness syndrome. Also called: Keratoderma palmoplantar, with deafness; Palmoplantar keratoderma and sensorineural deafness; Hereditary palmoplantar keratoderma with deafness (subtype); Focal palmoplantar keratoderma with sensorineural deafness (subtype); Diffuse palmoplantar keratoderma with deafness (subtype). Identifiers: Orphanet 2202, MedGen C1835672, MONDO:0007852, OMIM 148350.
Knuckle pads, deafness AND leukonychia syndrome. Also called: Bart-Pumphrey syndrome. Identifiers: Orphanet 2698, MedGen C0266004, MONDO:0007866, OMIM 149200.
Autosomal dominant keratitis-ichthyosis-hearing loss syndrome. Also called: HID SYNDROME; KID SYNDROME, AUTOSOMAL DOMINANT; Senter syndrome. Identifiers: Orphanet 477, MedGen C0265336, MONDO:0007850, OMIM 148210.
Autosomal dominant nonsyndromic hearing loss 3A. Identifiers: Orphanet 90635, MedGen C2675750, MONDO:0011103, OMIM 601544.
Ichthyosis, hystrix-like, with hearing loss. Also called: Hystrix-like ichthyosis with deafness. Identifiers: Orphanet 477, MedGen C1865234, MONDO:0011245.
Mutilating keratoderma (VOWNKL). Also called: Keratoderma hereditarium mutilans. Identifiers: Orphanet 494, MedGen C0265964, MONDO:0007422, OMIM 124500.
Nonsyndromic genetic hearing loss. Also called: Nonsyndromic hearing loss and deafness; Non-syndromic genetic deafness; Nonsyndromic genetic deafness. Identifiers: Orphanet 87884, MedGen C5680182, MONDO:0019497.

Allele frequency attached by ClinVar (database versions not stated): gnomAD 0.00001.
gnomAD v4.1: 6 of 1,613,994 alleles (0.00037%); highest among the groups gnomAD compares: East Asian, 0.0022%; no homozygotes.

Submissions 1 to 7 of 17:

North West Genomic Laboratory Hub, Manchester University NHS Foundation Trust
Classification: Likely pathogenic for Monogenic hearing loss. Last evaluated: 2026-03-27. Review status: criteria provided, single submitter. Criteria: ACGS Best Practice Guidelines for Variant Classification in Rare Disease 2024. Collection method: clinical testing. Allele origin: germline. Affected: yes.
Comment: PP1_Mod PS3_Mod PS4_Mod PM2_Mod PP3_Supp PM3_VStr

Otogenetics
Classification: Pathogenic for Autosomal recessive nonsyndromic hearing loss 1A. Last evaluated: 2025-12-12. Review status: criteria provided, single submitter. Criteria: ACMG Guidelines, 2015. Collection method: clinical testing. Allele origin: germline.
Comment: PS3_Moderate: Well-established in vitro and in vivo functional studies supportive of damaging effect on the gene product, with low residual enzymatic activity relative to wild-type reported (PMID: 20096356; 21040787); PM2_Supporting: Variant not observed in gnomAD (<0.185% threshold); PM3_Strong: Variant reported in homozygous state in one affected individual and in trans with 5 pathogenic variants in 7 individuals affected with non-syndromic hearing loss (PMID: 17567887, 19715472, 22991996, 24529908, 26397989, 31379920); PM5_Strong: Pathogenic missense amino acid changes occur in same position: c.427C>T;p.Arg143Trp, c.428G>C;p.Arg143Pro, and c.428G>T;p.Arg143Leu (PMID: 17666888, 38730444); PP3: In-silico models predict deleterious effect (Revel = 0.89, BayesDel = 0.53)

GeneDx
Classification: Likely pathogenic. Last evaluated: 2025-12-09. Review status: criteria provided, single submitter. Criteria: GeneDx Variant Classification Process June 2021. Collection method: clinical testing. Allele origin: germline. Affected: yes.
Comment: Published functional studies demonstrate a damaging effect as the p.(R143Q) variant can participate in forming gap junctions, but the resulting channels exhibit both impaired function and permeability (PMID: 21040787, 20096356); Not observed at significant frequency in large population cohorts (gnomAD); In silico analysis suggests that this missense variant does not alter protein structure/function; This variant is associated with the following publications: (PMID: 21040787, 20096356, 22991996, 17485979, 16931589, 16380907, 12189487, 11313763, 25388846, 12172394, 31162818, 34313030, 34599366, 36048236, 32012697, 34335733, 23856378, 31379920, 19715472, 33597575, 38400873, 34032567, 32318302, 35982127, 27316387)

Women's Health and Genetics/Laboratory Corporation of America, LabCorp
Classification: Pathogenic for Nonsyndromic genetic hearing loss. Last evaluated: 2025-09-16. Review status: criteria provided, single submitter. Criteria: LabCorp Variant Classification Summary - May 2015. Collection method: clinical testing. Allele origin: germline.
Comment: Variant summary: GJB2 c.428G>A (p.Arg143Gln) results in a conservative amino acid change in the encoded protein sequence. Algorithms developed to predict the effect of missense changes on protein structure and function are either unavailable or do not agree on the potential impact of this missense change. The variant was absent in 255356 control chromosomes (gnomAD). c.428G>A has been observed in multiple individuals affected with Non-Syndromic Hearing Loss with both an autosomal dominant and autosomal recessive inhertiance (e.g., Loffler_2001, Putcha_2007, Bonyadi_2009, Huang_2013, Riahi_2013). These data indicate that the variant is very likely to be associated with disease. Other variants affecting the same codon have been classified as likely pathogenic/pathogenic by our lab (c.427C>T, p.Arg143Trp), supporting the critical relevance of codon 143 to GJB2 protein function. The following publications have been ascertained in the context of this evaluation (PMID: 17666888, 20096356, 22991996, 12189487, 11313763, 24372583, 19715472, 21040787). ClinVar contains an entry for this variant (Variation ID: 17017). Based on the evidence outlined above, the variant was classified as pathogenic.

PreventionGenetics, part of Exact Sciences
Classification: Pathogenic for GJB2-related condition. Last evaluated: 2024-11-06. Review status: criteria provided, single submitter. Criteria: ACMG Guidelines, 2015. Collection method: clinical testing. Allele origin: germline.
Comment: The GJB2 c.428G>A variant is predicted to result in the amino acid substitution p.Arg143Gln. This variant has been reported in the homozygous and compound heterozygous states in individuals with non-syndromic hearing loss (Loffler et al. 2001. PubMed ID: 11313763; Huang. 2013. PubMed ID: 22991996; Bonyadi et al. 2011. PubMed ID: 19715472; Naddafnia et al. 2019. PubMed ID: 31162818; Sang et al. 2019. PubMed ID: 31379920; Wang. 2021. PubMed ID: 33597575). It has also been reported as a single heterozygous variant in individuals with hearing loss (Loffler et al. 2001. PubMed ID: 11313763; Huang. 2013. PubMed ID: 22991996); however, in other families heterozygous carriers were unaffected (Bonyadi et al. 2011. PubMed ID: 19715472; Naddafnia et al. 2019. PubMed ID: 31162818; Sang et al. 2019. PubMed ID: 31379920). In vitro experimental studies indicate this variant impacts protein function (Yum et al. 2010. PubMed ID: 20096356; Zhang et al. 2010. PubMed ID: 21040787). This variant has not been reported in the gnomAD v2.1.1 population database, but is present in six heterozygotes in the larger gnomAD v4.1.0 database. Other missense variants affecting this amino acid (p.Arg143Trp, p.Arg143Leu) have also been reported in individuals with hearing loss (Brobby et al. 1998. PubMed ID: 9471561; Putcha et al. 2007. PubMed ID: 1766688). In the context of autosomal dominant hearing loss, while we suspect this variant may be pathogenic with incomplete penetrance, at this time, this variant is interpreted as uncertain. In the context of autosomal recessive hearing loss, this variant is interpreted as pathogenic.

Labcorp Genetics (formerly Invitae), Labcorp
Classification: Pathogenic. Last evaluated: 2024-05-14. Review status: criteria provided, single submitter. Criteria: Invitae Variant Classification Sherloc (09022015). Collection method: clinical testing. Allele origin: germline.
Comment: This sequence change replaces arginine, which is basic and polar, with glutamine, which is neutral and polar, at codon 143 of the GJB2 protein (p.Arg143Gln). This variant is not present in population databases (gnomAD no frequency). This missense change has been observed in individual(s) with autosomal dominant deafness with incomplete penetrance and/or autosomal recessive deafness (PMID: 11313763, 22991996, 25752103, 31379920). In at least one individual the data is consistent with being in trans (on the opposite chromosome) from a pathogenic variant. It has also been observed to segregate with disease in related individuals. ClinVar contains an entry for this variant (Variation ID: 17017). Advanced modeling of protein sequence and biophysical properties (such as structural, functional, and spatial information, amino acid conservation, physicochemical variation, residue mobility, and thermodynamic stability) performed at Invitae indicates that this missense variant is expected to disrupt GJB2 protein function with a positive predictive value of 95%. Experimental studies have shown that this missense change affects GJB2 function (PMID: 20096356, 21040787). This variant disrupts the p.Arg143 amino acid residue in GJB2. Other variant(s) that disrupt this residue have been determined to be pathogenic (PMID: 9393973, 15235031, 15365987, 15617546, 18941476, 19715472). This suggests that this residue is clinically significant, and that variants that disrupt this residue are likely to be disease-causing. For these reasons, this variant has been classified as Pathogenic.

Fulgent Genetics
Classification: Likely pathogenic for Mutilating keratoderma; Autosomal dominant keratitis-ichthyosis-hearing loss syndrome; Palmoplantar keratoderma-deafness syndrome; Knuckle pads, deafness AND leukonychia syndrome; Autosomal recessive nonsyndromic hearing loss 1A; Autosomal dominant nonsyndromic hearing loss 3A. Last evaluated: 2024-03-28. Review status: criteria provided, single submitter. Criteria: ACMG Guidelines, 2015. Collection method: clinical testing. Allele origin: germline.